The following is an entry in ClinVar:

ClinVar aggregate classification (germline): Uncertain significance (1 of 4 stars; one submission).

Conditions:
Hereditary cancer-predisposing syndrome. Also called: Tumor predisposition; Hereditary Cancer Syndrome; Hereditary neoplastic syndrome; Neoplastic Syndromes, Hereditary. Identifiers: Orphanet 140162, MedGen C0027672, MeSH D009386, MONDO:0015356.

Submission:

Ambry Genetics
Classification: Uncertain significance for Hereditary cancer-predisposing syndrome. Last evaluated: 2023-07-22. Review status: criteria provided, single submitter. Criteria: Ambry Variant Classification Scheme 2023. Collection method: clinical testing. Allele origin: germline.
Comment: The p.K665R variant (also known as c.1994A>G), located in coding exon 13 of the NBN gene, results from an A to G substitution at nucleotide position 1994. The lysine at codon 665 is replaced by arginine, an amino acid with highly similar properties. This amino acid position is poorly conserved in available vertebrate species. In addition, this alteration is predicted to be tolerated by in silico analysis. Since supporting evidence is limited at this time, the clinical significance of this alteration remains unclear.

NM_002485.5(NBN):c.1994A>G (p.Lys665Arg)

Gene: NBN (nibrin; minus strand). Cytogenetic location: 8q21.3.
Variant type: single nucleotide variant.
Coding change: c.1994A>G on transcript NM_002485.5 (MANE Select); coding-DNA position 1994, A replaced by G.
Protein change: p.Lys665Arg; replaces lysine 665 with arginine.
Molecular consequence: missense variant.
Genome position (GRCh38, 1-based): chr8:89,946,216, T>C on the plus strand (A>G on the coding strand, the complement: NBN is on the minus strand). VCF-style: chr8-89946216-T-C. GRCh37 (hg19) VCF-style: chr8-90958444-T-C.
Other names: c.1748A>G, p.Lys583Arg (NM_001024688.3); short protein forms K583R, K665R.
Identifiers: ClinVar variation 2624819 (VCV002624819.2), dbSNP rs2129647691, ClinGen allele CA371676479.